The following is an entry in ClinVar:

NM_001195518.2(MICU1):c.1234G>A (p.Val412Met)

Gene: MICU1 (mitochondrial calcium uptake 1; minus strand). Cytogenetic location: 10q22.1.
Variant type: single nucleotide variant.
Coding change: c.1234G>A on transcript NM_001195518.2 (MANE Select); coding-DNA position 1234, G replaced by A.
Protein change: p.Val412Met; replaces valine 412 with methionine.
Molecular consequence: missense variant.
Genome position (GRCh38, 1-based): chr10:72,375,819, C>T on the plus strand (G>A on the coding strand, the complement: MICU1 is on the minus strand). VCF-style: chr10-72375819-C-T. GRCh37 (hg19) VCF-style: chr10-74135577-C-T.
Other names: c.640G>A, p.Val214Met (NM_001195519.2); c.1252G>A, p.Val418Met (NM_001363513.2); c.1240G>A, p.Val414Met (NM_006077.4); c.1240G>A (NM_006077.3); short protein forms V412M, V214M, V414M, V418M.
Identifiers: ClinVar variation 1402882 (VCV001402882.4), dbSNP rs375316147, ClinGen allele CA5550027.
Genomic context (GRCh38, chr10:72,375,819, plus strand): 5'-CGGGCTCCAGAGGGCCCCACTCACCATCACAGTCAAAGAGTGCAAACACCACATCACACA[C>T]GTGGTCTGAGAGCTCCACTTTAGCCACTGTCCTGGCCACCTGCTGCATGGTCACTGAAAA-3'
Protein context (NP_001182447.1, residues 402-422): TVAKVELSDH[Val412Met]CDVVFALFDC

ClinVar aggregate classification (germline): Uncertain significance. Review status: criteria provided, multiple submitters, no conflicts (2 of 4 stars). 2 submissions from 2 submitters: Uncertain significance (2). Last evaluated 2024-05-10.

Conditions:
Inborn genetic diseases. Identifiers: MedGen C0950123, MeSH D030342.

Allele frequency attached by ClinVar (database versions not stated): gnomAD exomes 0.00002 and 0.00003; ExAC 0.00003; TOPMed 0.00006; gnomAD 0.00007; ESP Exome Variant Server 0.00016.
gnomAD v4.1: 52 of 1,613,196 alleles (0.0032%); highest among the groups gnomAD compares: African/African-American, 0.021%; no homozygotes.

Submissions (2):

Ambry Genetics
Classification: Uncertain significance for Inborn genetic diseases. Last evaluated: 2024-05-10. Review status: criteria provided, single submitter. Criteria: Ambry Variant Classification Scheme 2023. Collection method: clinical testing. Allele origin: germline.

Labcorp Genetics (formerly Invitae), Labcorp
Classification: Uncertain significance. Last evaluated: 2022-06-04. Review status: criteria provided, single submitter. Criteria: Invitae Variant Classification Sherloc (09022015). Collection method: clinical testing. Allele origin: germline.
Comment: This sequence change replaces valine, which is neutral and non-polar, with methionine, which is neutral and non-polar, at codon 414 of the MICU1 protein (p.Val414Met). This variant is present in population databases (rs375316147, gnomAD 0.02%). This variant has not been reported in the literature in individuals affected with MICU1-related conditions. ClinVar contains an entry for this variant (Variation ID: 1402882). Algorithms developed to predict the effect of missense changes on protein structure and function are either unavailable or do not agree on the potential impact of this missense change (SIFT: "Deleterious"; PolyPhen-2: "Not Available"; Align-GVGD: "Class C0"). In summary, the available evidence is currently insufficient to determine the role of this variant in disease. Therefore, it has been classified as a Variant of Uncertain Significance.